The following is an entry in ClinVar:

NM_001105206.3(LAMA4):c.2026G>A (p.Ala676Thr)

Gene: LAMA4 (laminin subunit alpha 4; minus strand). Cytogenetic location: 6q21.
Variant type: single nucleotide variant.
Coding change: c.2026G>A on transcript NM_001105206.3 (MANE Select); coding-DNA position 2026, G replaced by A.
Protein change: p.Ala676Thr; replaces alanine 676 with threonine.
Molecular consequence: missense variant.
Genome position (GRCh38, 1-based): chr6:112,154,881, C>T on the plus strand (G>A on the coding strand, the complement: LAMA4 is on the minus strand). VCF-style: chr6-112154881-C-T. GRCh37 (hg19) VCF-style: chr6-112476083-C-T.
Other names: c.2005G>A, p.Ala669Thr (NM_001105207.3, NM_002290.5); short protein forms A669T, A676T.
Identifiers: ClinVar variation 44358 (VCV000044358.9), dbSNP rs397516721, ClinGen allele CA134016.

ClinVar aggregate classification (germline): Uncertain significance. Review status: criteria provided, multiple submitters, no conflicts (2 of 4 stars). 2 submissions from 2 submitters: Uncertain significance (2). Last evaluated 2025-09-01.

Conditions:
Dilated cardiomyopathy 1JJ (CMD1JJ). Identifiers: Orphanet 154, MedGen C3808935, MONDO:0014095, OMIM 615235.

Allele frequency attached by ClinVar (database versions not stated): gnomAD 0.00001.
gnomAD v4.1: 5 of 1,612,888 alleles (0.00031%); highest among the groups gnomAD compares: Admixed American, 0.005%; no homozygotes.

Submissions (2):

Labcorp Genetics (formerly Invitae), Labcorp
Classification: Uncertain significance for Dilated cardiomyopathy 1JJ. Last evaluated: 2025-09-01. Review status: criteria provided, single submitter. Criteria: Invitae Variant Classification Sherloc (09022015). Collection method: clinical testing. Allele origin: germline.
Comment: This sequence change replaces alanine, which is neutral and non-polar, with threonine, which is neutral and polar, at codon 669 of the LAMA4 protein (p.Ala669Thr). This variant is present in population databases (rs397516721, gnomAD 0.006%). This missense change has been observed in individual(s) with dilated cardiomyopathy (PMID: 27532257). ClinVar contains an entry for this variant (Variation ID: 44358). Invitae Evidence Modeling of protein sequence and biophysical properties (such as structural, functional, and spatial information, amino acid conservation, physicochemical variation, residue mobility, and thermodynamic stability) indicates that this missense variant is not expected to disrupt LAMA4 protein function with a negative predictive value of 80%. In summary, the available evidence is currently insufficient to determine the role of this variant in disease. Therefore, it has been classified as a Variant of Uncertain Significance.

Laboratory for Molecular Medicine, Mass General Brigham Personalized Medicine
Classification: Uncertain significance. Last evaluated: 2012-08-14. Review status: criteria provided, single submitter. Criteria: LMM Criteria. Collection method: clinical testing. Allele origin: germline. Observed: 1 variant allele.
Comment: The Ala669Thr variant in LAMA4 has not been reported in the literature nor previ ously identified by our laboratory. Computational analyses (biochemical amino ac id properties, conservation, AlignGVGD, PolyPhen2, and SIFT) do not provide stro ng support for or against an impact to the protein. Additional information is ne eded to fully assess the clinical significance of the Ala669Thr variant.

Literature cited by the submitters: PubMed 27532257 (cited by Labcorp Genetics (formerly Invitae), Labcorp).